The following is an entry in ClinVar:

ClinVar aggregate classification (germline): Uncertain significance (1 of 4 stars; one submission).

Conditions:
Renal cell carcinoma. Identifiers: Orphanet 217071, MedGen C0007134, MeSH D002292, MONDO:0005086, HP:0005584.

Submission:

Labcorp Genetics (formerly Invitae), Labcorp
Classification: Uncertain significance for Renal cell carcinoma. Last evaluated: 2022-10-14. Review status: criteria provided, single submitter. Criteria: Invitae Variant Classification Sherloc (09022015). Collection method: clinical testing. Allele origin: germline.
Comment: In summary, the available evidence is currently insufficient to determine the role of this variant in disease. Therefore, it has been classified as a Variant of Uncertain Significance. Advanced modeling of protein sequence and biophysical properties (such as structural, functional, and spatial information, amino acid conservation, physicochemical variation, residue mobility, and thermodynamic stability) performed at Invitae indicates that this missense variant is expected to disrupt MET protein function. This variant has not been reported in the literature in individuals affected with MET-related conditions. This variant is not present in population databases (gnomAD no frequency). This sequence change replaces valine, which is neutral and non-polar, with glycine, which is neutral and non-polar, at codon 1305 of the MET protein (p.Val1305Gly).

NM_000245.4(MET):c.3860T>G (p.Val1287Gly)

Gene: MET (MET proto-oncogene, receptor tyrosine kinase; plus strand). Cytogenetic location: 7q31.2.
Variant type: single nucleotide variant.
Coding change: c.3860T>G on transcript NM_000245.4 (MANE Select); coding-DNA position 3860, T replaced by G.
Protein change: p.Val1287Gly; replaces valine 1287 with glycine.
Molecular consequence: missense variant.
Genome position (GRCh38, 1-based): chr7:116,795,716, T>G. VCF-style: chr7-116795716-T-G. GRCh37 (hg19) VCF-style: chr7-116435770-T-G.
Other names: c.3914T>G, p.Val1305Gly (NM_001127500.3); c.2570T>G, p.Val857Gly (NM_001324402.2); short protein forms V1287G, V1305G, V857G.
Identifiers: ClinVar variation 1721598 (VCV001721598.5), dbSNP rs2485871967, ClinGen allele CA369117855.